The following is an entry in ClinVar:

NM_004329.3(BMPR1A):c.1380G>C (p.Met460Ile)

Gene: BMPR1A (bone morphogenetic protein receptor type 1A; plus strand). Cytogenetic location: 10q23.2.
Variant type: single nucleotide variant.
Coding change: c.1380G>C on transcript NM_004329.3 (MANE Select); coding-DNA position 1380, G replaced by C.
Protein change: p.Met460Ile; replaces methionine 460 with isoleucine.
Molecular consequence: missense variant.
Genome position (GRCh38, 1-based): chr10:86,923,413, G>C. VCF-style: chr10-86923413-G-C. GRCh37 (hg19) VCF-style: chr10-88683170-G-C.
Other names: short protein forms M460I.
Identifiers: ClinVar variation 460484 (VCV000460484.24), dbSNP rs1206243685, ClinGen allele CA377462799.

ClinVar aggregate classification (germline): Conflicting classifications of pathogenicity. Review status: criteria provided, conflicting classifications (1 of 4 stars). 5 submissions from 5 submitters: Uncertain significance (4); Likely benign (1). Last evaluated 2026-04-14.

Conditions:
Hereditary cancer-predisposing syndrome. Also called: Hereditary Cancer Syndrome; Tumor predisposition; Hereditary neoplastic syndrome; Neoplastic Syndromes, Hereditary. Identifiers: Orphanet 140162, MedGen C0027672, MeSH D009386, MONDO:0015356.
Juvenile polyposis syndrome (JPS). Identifiers: Orphanet 2929, MedGen C0345893, MONDO:0017380, OMIM 174900.
Polyposis syndrome, hereditary mixed, 2. Identifiers: Orphanet 157794, MedGen C1864730, MONDO:0012405, OMIM 610069.

Allele frequency attached by ClinVar (database versions not stated): TOPMed below 0.00001.

Submissions (5):

Ambry Genetics
Classification: Likely benign for Hereditary cancer-predisposing syndrome. Last evaluated: 2026-04-14. Review status: criteria provided, single submitter. Criteria: Ambry Variant Classification Scheme 2023. Collection method: clinical testing. Allele origin: germline.

Labcorp Genetics (formerly Invitae), Labcorp
Classification: Uncertain significance for Juvenile polyposis syndrome. Last evaluated: 2026-01-05. Review status: criteria provided, single submitter. Criteria: Invitae Variant Classification Sherloc (09022015). Collection method: clinical testing. Allele origin: germline.
Comment: This sequence change replaces methionine, which is neutral and non-polar, with isoleucine, which is neutral and non-polar, at codon 460 of the BMPR1A protein (p.Met460Ile). This variant is not present in population databases (gnomAD no frequency). This variant has not been reported in the literature in individuals affected with BMPR1A-related conditions. ClinVar contains an entry for this variant (Variation ID: 460484). Invitae Evidence Modeling incorporating data from in vitro experimental studies (internal data) indicates that this missense variant is not expected to disrupt BMPR1A function with a negative predictive value of 95%. In summary, the available evidence is currently insufficient to determine the role of this variant in disease. Therefore, it has been classified as a Variant of Uncertain Significance.

Color Diagnostics, LLC DBA Color Health
Classification: Uncertain significance for Hereditary cancer-predisposing syndrome. Last evaluated: 2024-03-06. Review status: criteria provided, single submitter. Criteria: ACMG Guidelines, 2015. Collection method: clinical testing. Allele origin: germline.
Comment: This missense variant replaces methionine with isoleucine at codon 460 of the BMPR1A protein. Computational prediction suggests that this variant may not impact protein structure and function (internally defined REVEL score threshold <= 0.5, PMID: 27666373). Splice site prediction tools suggest that this variant may not impact RNA splicing. To our knowledge, functional studies have not been performed for this variant. This variant has not been reported in individuals affected with hereditary cancer in the literature. This variant has not been identified in the general population by the Genome Aggregation Database (gnomAD). The available evidence is insufficient to determine the role of this variant in disease conclusively. Therefore, this variant is classified as a Variant of Uncertain Significance.

Baylor Genetics
Classification: Uncertain significance for Polyposis syndrome, hereditary mixed, 2. Last evaluated: 2023-07-28. Review status: criteria provided, single submitter. Criteria: ACMG Guidelines, 2015. Collection method: clinical testing. Allele origin: unknown.

Women's Health and Genetics/Laboratory Corporation of America, LabCorp
Classification: Uncertain significance. Last evaluated: 2021-04-24. Review status: criteria provided, single submitter. Criteria: LabCorp Variant Classification Summary - May 2015. Collection method: clinical testing. Allele origin: germline.
Comment: Variant summary: BMPR1A c.1380G>C (p.Met460Ile) results in a conservative amino acid change in the encoded protein sequence. Four of five in-silico tools predict a benign effect of the variant on protein function. The variant was absent in 251490 control chromosomes. The available data on variant occurrences in the general population are insufficient to allow any conclusion about variant significance. To our knowledge, no occurrence of c.1380G>C in individuals affected with Juvenile Polyposis Syndrome and no experimental evidence demonstrating its impact on protein function have been reported. Three clinical diagnostic laboratories have submitted clinical-significance assessments for this variant to ClinVar after 2014 without evidence for independent evaluation. All laboratories classified the variant as uncertain significance. Based on the evidence outlined above, the variant was classified as uncertain significance.